The following is an entry in ClinVar:

NM_001128840.3(CACNA1D):c.790A>G (p.Ile264Val)

Gene: CACNA1D (calcium voltage-gated channel subunit alpha1 D; plus strand). Cytogenetic location: 3p21.1.
Variant type: single nucleotide variant.
Coding change: c.790A>G on transcript NM_001128840.3 (MANE Select); coding-DNA position 790, A replaced by G.
Protein change: p.Ile264Val; replaces isoleucine 264 with valine.
Molecular consequence: missense variant.
Genome position (GRCh38, 1-based): chr3:53,665,683, A>G. VCF-style: chr3-53665683-A-G. GRCh37 (hg19) VCF-style: chr3-53699710-A-G.
Other names: c.790A>G, p.Ile264Val (NM_000720.4, NM_001128839.3); short protein forms I264V.
Identifiers: ClinVar variation 2715377 (VCV002715377.3), dbSNP rs768966508, ClinGen allele CA2453765.

ClinVar aggregate classification (germline): Uncertain significance (1 of 4 stars; one submission).

Allele frequency attached by ClinVar (database versions not stated): TOPMed below 0.00001; ExAC 0.00002.
gnomAD v4.1: 17 of 1,613,218 alleles (0.0011%); highest among the groups gnomAD compares: East Asian, 0.0089%; no homozygotes.

Submission:

Labcorp Genetics (formerly Invitae), Labcorp
Classification: Uncertain significance. Last evaluated: 2023-10-14. Review status: criteria provided, single submitter. Criteria: Invitae Variant Classification Sherloc (09022015). Collection method: clinical testing. Allele origin: germline.
Comment: This sequence change replaces isoleucine, which is neutral and non-polar, with valine, which is neutral and non-polar, at codon 264 of the CACNA1D protein (p.Ile264Val). This variant is present in population databases (rs768966508, gnomAD 0.02%). This variant has not been reported in the literature in individuals affected with CACNA1D-related conditions. Advanced modeling of protein sequence and biophysical properties (such as structural, functional, and spatial information, amino acid conservation, physicochemical variation, residue mobility, and thermodynamic stability) performed at Invitae indicates that this missense variant is expected to disrupt CACNA1D protein function. In summary, the available evidence is currently insufficient to determine the role of this variant in disease. Therefore, it has been classified as a Variant of Uncertain Significance.